The following is an entry in ClinVar:

ClinVar aggregate classification (germline): Likely pathogenic (1 of 4 stars; one submission).

Conditions:
Aortic aneurysm, familial thoracic 4 (AAT4). Also called: AORTIC ANEURYSM/AORTIC DISSECTION AND PATENT DUCTUS ARTERIOSUS. Identifiers: MedGen C1851504, MONDO:0007568, OMIM 132900.

gnomAD v4.1: 1 of 1,609,006 alleles (0.000062%); highest among the groups gnomAD compares: Non-Finnish European, 0.000085%; no homozygotes.

Submission:

Laboratory of Medical Genetics, National & Kapodistrian University of Athens
Classification: Likely pathogenic for Aortic aneurysm, familial thoracic 4. Last evaluated: 2022-06-20. Review status: criteria provided, single submitter. Criteria: ACMG Guidelines, 2015. Collection method: clinical testing. Allele origin: germline. Affected: yes.
Comment: PVS1, PM2

NM_002474.3(MYH11):c.5295+1G>C

Genes: MYH11 (myosin heavy chain 11; minus strand), NDE1 (nudE neurodevelopment protein 1; plus strand). Cytogenetic location: 16p13.11.
Variant type: single nucleotide variant.
Coding change: c.5295+1G>C on transcript NM_002474.3 (MANE Select); the canonical splice donor site of the intron after coding-DNA position 5295, G replaced by C.
Molecular consequence: splice donor variant. On other transcripts: intron variant (2).
Genome position (GRCh38, 1-based): chr16:15,718,314, C>G on the plus strand (G>C on the coding strand, the complement: MYH11 is on the minus strand). VCF-style: chr16-15718314-C-G. GRCh37 (hg19) VCF-style: chr16-15812171-C-G.
Other names: c.948-5877C>G (NM_001143979.2, NM_017668.3); c.5295+1G>C (NM_022844.3); c.5316+1G>C (NM_001040114.2, NM_001040113.2).
Identifiers: ClinVar variation 1708058 (VCV001708058.1), dbSNP rs2506094292, ClinGen allele CA394849736.